The following is an entry in ClinVar:

NM_001369.3(DNAH5):c.11189G>C (p.Arg3730Thr)

Gene: DNAH5 (dynein axonemal heavy chain 5; minus strand). Cytogenetic location: 5p15.2.
Variant type: single nucleotide variant.
Coding change: c.11189G>C on transcript NM_001369.3 (MANE Select); coding-DNA position 11189, G replaced by C.
Protein change: p.Arg3730Thr; replaces arginine 3730 with threonine.
Molecular consequence: missense variant.
Genome position (GRCh38, 1-based): chr5:13,751,100, C>G on the plus strand (G>C on the coding strand, the complement: DNAH5 is on the minus strand). VCF-style: chr5-13751100-C-G. GRCh37 (hg19) VCF-style: chr5-13751209-C-G.
Other names: c.11189G>C (NM_001369.2); short protein forms R3730T.
Identifiers: ClinVar variation 2063577 (VCV002063577.4), dbSNP rs776021439, ClinGen allele CA3202040.

ClinVar aggregate classification (germline): Uncertain significance. Review status: criteria provided, multiple submitters, no conflicts (2 of 4 stars). 3 submissions from 3 submitters: Uncertain significance (3). Last evaluated 2026-02-05.

Conditions:
Primary ciliary dyskinesia. Also called: Ciliary dyskinesia. Identifiers: Orphanet 244, MedGen C0008780, MONDO:0016575, HP:0012265.

Allele frequency attached by ClinVar (database versions not stated): ExAC 0.00002; gnomAD exomes 0.00002; TOPMed 0.00002.
gnomAD v4.1: 23 of 1,613,914 alleles (0.0014%); highest among the groups gnomAD compares: Non-Finnish European, 0.0019%; no homozygotes.

Submissions (3):

GeneDx
Classification: Uncertain significance. Last evaluated: 2026-02-05. Review status: criteria provided, single submitter. Criteria: GeneDx Variant Classification Process June 2021. Collection method: clinical testing. Allele origin: germline.
Comment: In silico analysis supports that this missense variant has a deleterious effect on protein structure/function; Has not been previously published as pathogenic or benign to our knowledge

Labcorp Genetics (formerly Invitae), Labcorp
Classification: Uncertain significance for Primary ciliary dyskinesia. Last evaluated: 2025-12-06. Review status: criteria provided, single submitter. Criteria: Invitae Variant Classification Sherloc (09022015). Collection method: clinical testing. Allele origin: germline.
Comment: This sequence change replaces arginine, which is basic and polar, with threonine, which is neutral and polar, at codon 3730 of the DNAH5 protein (p.Arg3730Thr). This variant is present in population databases (rs776021439, gnomAD 0.004%). This variant has not been reported in the literature in individuals affected with DNAH5-related conditions. ClinVar contains an entry for this variant (Variation ID: 2063577). Invitae Evidence Modeling of protein sequence and biophysical properties (such as structural, functional, and spatial information, amino acid conservation, physicochemical variation, residue mobility, and thermodynamic stability) indicates that this missense variant is not expected to disrupt DNAH5 protein function with a negative predictive value of 95%. In summary, the available evidence is currently insufficient to determine the role of this variant in disease. Therefore, it has been classified as a Variant of Uncertain Significance.

Blueprint Genetics
Classification: Uncertain significance. Last evaluated: 2024-11-26. Review status: criteria provided, single submitter. Criteria: ACMG Guidelines, 2015. Collection method: clinical testing. Allele origin: germline.